The following is an entry in ClinVar:

NM_139058.3(ARX):c.1077G>A (p.Glu359=)

Gene: ARX (aristaless related homeobox; minus strand). Cytogenetic location: Xp21.3.
Variant type: single nucleotide variant.
Coding change: c.1077G>A on transcript NM_139058.3 (MANE Select); coding-DNA position 1077, G replaced by A.
Protein change: p.Glu359=; no amino-acid change (glutamic acid 359 retained).
Molecular consequence: synonymous variant.
Genome position (GRCh38, 1-based): chrX:25,010,302, C>T on the plus strand (G>A on the coding strand, the complement: ARX is on the minus strand). VCF-style: chrX-25010302-C-T. GRCh37 (hg19) VCF-style: chrX-25028419-C-T.
Identifiers: ClinVar variation 4085043 (VCV004085043.8).

ClinVar aggregate classification (germline): Likely benign (1 of 4 stars; one submission).

Submission:

CeGaT Center for Human Genetics Tuebingen
Classification: Likely benign. Last evaluated: 2025-08-01. Review status: criteria provided, single submitter. Criteria: CeGaT Center For Human Genetics Tuebingen Variant Classification Criteria Version 2. Collection method: clinical testing. Allele origin: germline. Affected: yes. Observed: 1 variant allele.
Comment: ARX: BP4, BP7